The following is an entry in ClinVar:

ClinVar aggregate classification (germline): Pathogenic. Review status: criteria provided, single submitter (1 of 4 stars). 2 submissions from 2 submitters: Pathogenic (1). 1 of the submissions does not count toward it. Last evaluated 2015-12-09.

Conditions:
Cardiovascular phenotype. Identifiers: MedGen CN230736.
Telangiectasia, hereditary hemorrhagic, type 2 (HHT2). Also called: ACVRL1-Related Hereditary Hemorrhagic Telangiectasia; Telangiectasia, hereditary hemorrhagic, type II. Identifiers: Orphanet 774, MedGen C1838163, MONDO:0010880, OMIM 600376. Disease mechanism: loss of function.

Submissions (2):

Ambry Genetics
Classification: Pathogenic for Cardiovascular phenotype. Last evaluated: 2015-12-09. Review status: criteria provided, single submitter. Criteria: Ambry Variant Classification Scheme 2023. Collection method: clinical testing. Allele origin: germline.
Comment: The p.M376R pathogenic mutation (also known as c.1127T>G), located in coding exon 7 of the ACVRL1 gene, results from a T to G substitution at nucleotide position 1127. The methionine at codon 376 is replaced by arginine, an amino acid with similar properties. This mutation was first reported in multiple affected members in one family with hereditary hemorrhagic telangiectasia (HHT) but was absent from 322 control chromosomes (Johnson DW et al, Nat. Genet. 1996 Jun; 13(2):189-95). This mutation has also been described in additional HHT families (Wehner LE et al, Clin. Genet. 2006 Mar; 69(3):239-45). In addition, alterations at the same amino acid position, p.M376K (Olivieri C et al, Genet. Med. 2006 Mar; 8(3):183-90), p.M376T (Fernandez-L A et al, Hum. Mutat. 2006 Mar; 27(3):295), and p.M376V (Lesca G et al, Hum. Mutat. 2004 Apr; 23(4):289-99; Gedge F et al, J Mol Diagn 2007 Apr; 9(2):258-65), have been reported in individuals affected by HHT. Based on the supporting evidence, this alteration is interpreted as a disease-causing mutation.

OMIM
Classification: Pathogenic for TELANGIECTASIA, HEREDITARY HEMORRHAGIC, TYPE 2. Last evaluated: 1996-06-01. Review status: no assertion criteria provided. Collection method: literature only. Allele origin: germline. Not counted in ClinVar's aggregate classification.

Literature cited by the submitters: PubMed 15024723 (cited by Ambry Genetics); PubMed 16470589 (cited by Ambry Genetics); PubMed 16540754 (cited by Ambry Genetics); PubMed 16542389 (cited by Ambry Genetics); PubMed 17384219 (cited by Ambry Genetics); PubMed 8640225 (cited by Ambry Genetics and OMIM); PubMed 9245985 (cited by Ambry Genetics).

NM_000020.3(ACVRL1):c.1127T>G (p.Met376Arg)

Gene: ACVRL1 (activin A receptor like type 1; plus strand). Cytogenetic location: 12q13.13.
Variant type: single nucleotide variant.
Coding change: c.1127T>G on transcript NM_000020.3 (MANE Select); coding-DNA position 1127, T replaced by G.
Protein change: p.Met376Arg; replaces methionine 376 with arginine.
Molecular consequence: missense variant.
Genome position (GRCh38, 1-based): chr12:51,916,114, T>G. VCF-style: chr12-51916114-T-G. GRCh37 (hg19) VCF-style: chr12-52309898-T-G.
Other names: c.1127T>G, p.Met376Arg (NM_001077401.2); short protein forms M376R.
Identifiers: ClinVar variation 8244 (VCV000008244.3), dbSNP rs28936399, ClinGen allele CA254367.